The following is an entry in ClinVar:

NM_173651.4(FSIP2):c.1639G>A (p.Asp547Asn)

Genes: FSIP2 (fibrous sheath interacting protein 2; plus strand), FSIP2-AS1 (FSIP2 antisense RNA 1; minus strand). Cytogenetic location: 2q32.1.
Variant type: single nucleotide variant.
Coding change: c.1639G>A on transcript NM_173651.4 (MANE Select); coding-DNA position 1639, G replaced by A.
Protein change: p.Asp547Asn; replaces aspartic acid 547 with asparagine.
Molecular consequence: missense variant. On other transcripts: non-coding transcript variant (2).
Genome position (GRCh38, 1-based): chr2:185,788,775, G>A. VCF-style: chr2-185788775-G-A. GRCh37 (hg19) VCF-style: chr2-186653502-G-A.
Other names: short protein forms D547N.
Identifiers: ClinVar variation 3037631 (VCV003037631.2), dbSNP rs200379609, ClinGen allele CA2016542.

ClinVar aggregate classification (germline): Likely benign (0 of 4 stars; one submission).

Conditions:
FSIP2-related disorder. Also called: FSIP2-related condition.

Allele frequency attached by ClinVar (database versions not stated): 1000 Genomes Project 0.00060; 1000 Genomes Project 30x 0.00062; ExAC 0.00176.

Submission:

PreventionGenetics, part of Exact Sciences
Classification: Likely benign for FSIP2-related condition. Last evaluated: 2021-03-16. Review status: no assertion criteria provided. Collection method: clinical testing. Allele origin: germline.
Comment: This variant is classified as likely benign based on ACMG/AMP sequence variant interpretation guidelines (Richards et al. 2015 PMID: 25741868, with internal and published modifications).